The following is an entry in ClinVar:

NM_004168.4(SDHA):c.1960T>G (p.Cys654Gly)

Gene: SDHA (succinate dehydrogenase complex flavoprotein subunit A; plus strand). Cytogenetic location: 5p15.33.
Variant type: single nucleotide variant.
Coding change: c.1960T>G on transcript NM_004168.4 (MANE Select); coding-DNA position 1960, T replaced by G.
Protein change: p.Cys654Gly; replaces cysteine 654 with glycine.
Molecular consequence: missense variant.
Genome position (GRCh38, 1-based): chr5:256,385, T>G. VCF-style: chr5-256385-T-G. GRCh37 (hg19) VCF-style: chr5-256500-T-G.
Other names: c.1960T>G (NM_004168.2); c.1816T>G, p.Cys606Gly (NM_001294332.2); c.1717T>G, p.Cys573Gly (NM_001330758.2); short protein forms C654G, C573G, C606G.
Identifiers: ClinVar variation 539637 (VCV000539637.14), dbSNP rs60587941, ClinGen allele CA112784567.
Genomic context (GRCh38, chr5:256,385, plus strand): 5'-CTTTTCAAGGTCACTCTGGAATATAGACCCGTGATCGACAAAACTTTGAACGAGGCTGAC[T>G]GTGCCACCGTCCCGCCAGCCATTCGCTCCTACTGATGAGACAAGATGTGGTGATGACAGA-3'
Protein context (NP_004159.2, residues 644-664): VIDKTLNEAD[Cys654Gly]ATVPPAIRSY

ClinVar aggregate classification (germline): Uncertain significance. Review status: criteria provided, multiple submitters, no conflicts (2 of 4 stars). 3 submissions from 3 submitters: Uncertain significance (3). Last evaluated 2025-10-18.

Conditions:
Hereditary cancer-predisposing syndrome. Also called: Neoplastic Syndromes, Hereditary; Tumor predisposition; Hereditary neoplastic syndrome; Hereditary Cancer Syndrome. Identifiers: Orphanet 140162, MedGen C0027672, MeSH D009386, MONDO:0015356.
Dilated cardiomyopathy 1GG (CMD1GG). Identifiers: Orphanet 154, MedGen C3150898, MONDO:0013339, OMIM 613642.
Mitochondrial complex II deficiency, nuclear type 1. Also called: SUCCINATE CoQ REDUCTASE DEFICIENCY. Identifiers: Orphanet 3208, MedGen C5700310, MONDO:0100294, OMIM 252011.
Pheochromocytoma/paraganglioma syndrome 5. Also called: Paragangliomas 5; SDHA-Related Hereditary Paraganglioma-Pheochromocytoma Syndrome. Identifiers: Orphanet 29072, MedGen C3279992, MONDO:0013602, OMIM 614165.

Allele frequency attached by ClinVar (database versions not stated): gnomAD 0.00001; gnomAD exomes 0.00001; 1000 Genomes Project 30x 0.00016; 1000 Genomes Project 0.00020.
gnomAD v4.1: 2 of 1,613,968 alleles (0.00012%); highest among the groups gnomAD compares: East Asian, 0.0045%; no homozygotes.

Submissions (3):

Labcorp Genetics (formerly Invitae), Labcorp
Classification: Uncertain significance for Pheochromocytoma/paraganglioma syndrome 5; Mitochondrial complex II deficiency, nuclear type 1. Last evaluated: 2025-10-18. Review status: criteria provided, single submitter. Criteria: Invitae Variant Classification Sherloc (09022015). Collection method: clinical testing. Allele origin: germline.
Comment: This sequence change replaces cysteine, which is neutral and slightly polar, with glycine, which is neutral and non-polar, at codon 654 of the SDHA protein (p.Cys654Gly). This variant is present in population databases (rs60587941, gnomAD 0.006%). This variant has not been reported in the literature in individuals affected with SDHA-related conditions. ClinVar contains an entry for this variant (Variation ID: 539637). Invitae Evidence Modeling of protein sequence and biophysical properties (such as structural, functional, and spatial information, amino acid conservation, physicochemical variation, residue mobility, and thermodynamic stability) has been performed for this missense variant. However, the output from this modeling did not meet the statistical confidence thresholds required to predict the impact of this variant on SDHA protein function. In summary, the available evidence is currently insufficient to determine the role of this variant in disease. Therefore, it has been classified as a Variant of Uncertain Significance.

Ambry Genetics
Classification: Uncertain significance for Hereditary cancer-predisposing syndrome. Last evaluated: 2025-01-27. Review status: criteria provided, single submitter. Criteria: Ambry Variant Classification Scheme 2023. Collection method: clinical testing. Allele origin: germline.

Baylor Genetics
Classification: Uncertain significance for Dilated cardiomyopathy 1GG. Last evaluated: 2024-02-19. Review status: criteria provided, single submitter. Criteria: ACMG Guidelines, 2015. Collection method: clinical testing. Allele origin: unknown.